The following is an entry in ClinVar:

NM_000388.4(CASR):c.2866T>G (p.Ser956Ala)

Gene: CASR (calcium sensing receptor; plus strand). Cytogenetic location: 3q21.1.
Variant type: single nucleotide variant.
Coding change: c.2866T>G on transcript NM_000388.4 (MANE Select); coding-DNA position 2866, T replaced by G.
Protein change: p.Ser956Ala; replaces serine 956 with alanine.
Molecular consequence: missense variant.
Genome position (GRCh38, 1-based): chr3:122,284,820, T>G. VCF-style: chr3-122284820-T-G. GRCh37 (hg19) VCF-style: chr3-122003667-T-G.
Other names: c.2896T>G, p.Ser966Ala (NM_001178065.2); short protein forms S956A, S966A.
Identifiers: ClinVar variation 575012 (VCV000575012.10), dbSNP rs1559969778, ClinGen allele CA354160939.

ClinVar aggregate classification (germline): Uncertain significance (1 of 4 stars; one submission).

Conditions:
Familial hypocalciuric hypercalcemia (FHH). Also called: Familial benign hypercalcemia. Identifiers: Orphanet 405, MedGen C1809471, MONDO:0018458.
Autosomal dominant hypocalcemia 1 (HYPOC1). Also called: HYPOCALCEMIA, FAMILIAL. Identifiers: MedGen C3715128, MONDO:0011013, OMIM 601198.

Allele frequency attached by ClinVar (database versions not stated): gnomAD exomes below 0.00001.
gnomAD v4.1: 1 of 1,613,986 alleles (0.000062%); highest among the groups gnomAD compares: Middle Eastern, 0.016%; no homozygotes.

Submission:

Labcorp Genetics (formerly Invitae), Labcorp
Classification: Uncertain significance for Familial hypocalciuric hypercalcemia; Autosomal dominant hypocalcemia 1. Last evaluated: 2018-06-23. Review status: criteria provided, single submitter. Criteria: Invitae Variant Classification Sherloc (09022015). Collection method: clinical testing. Allele origin: germline.
Comment: This sequence change replaces serine with alanine at codon 956 of the CASR protein (p.Ser956Ala). The serine residue is weakly conserved and there is a moderate physicochemical difference between serine and alanine. In summary, the available evidence is currently insufficient to determine the role of this variant in disease. Therefore, it has been classified as a Variant of Uncertain Significance. Algorithms developed to predict the effect of missense changes on protein structure and function output the following: SIFT: "Tolerated"; PolyPhen-2: "Benign"; Align-GVGD: "Class C0". The alanine amino acid residue is found in multiple mammalian species, suggesting that this missense change does not adversely affect protein function. These predictions have not been confirmed by published functional studies and their clinical significance is uncertain. This variant has not been reported in the literature in individuals with CASR-related disease. This variant is not present in population databases (ExAC no frequency).